The following is an entry in ClinVar:

ClinVar aggregate classification (germline): Uncertain significance (1 of 4 stars; one submission).

Conditions:
Candidiasis, familial, 8 (CANDF8). Identifiers: Orphanet 1334, MedGen C3714992, MONDO:0014230, OMIM 615527.

Allele frequency attached by ClinVar (database versions not stated): gnomAD exomes below 0.00001.
gnomAD v4.1: 2 of 1,613,780 alleles (0.00012%); highest among the groups gnomAD compares: Non-Finnish European, 0.00017%; no homozygotes.

Submission:

Labcorp Genetics (formerly Invitae), Labcorp
Classification: Uncertain significance for Candidiasis, familial, 8. Last evaluated: 2018-06-29. Review status: criteria provided, single submitter. Criteria: Invitae Variant Classification Sherloc (09022015). Collection method: clinical testing. Allele origin: germline.
Comment: In summary, the available evidence is currently insufficient to determine the role of this variant in disease. Therefore, it has been classified as a Variant of Uncertain Significance. Nucleotide substitutions within the consensus splice site are a relatively common cause of aberrant splicing (PMID: 17576681, 9536098). Algorithms developed to predict the effect of sequence changes on RNA splicing suggest that this variant is not likely to affect RNA splicing, but this prediction has not been confirmed by published transcriptional studies. This variant has not been reported in the literature in individuals with TRAF3IP2-related disease. This variant is not present in population databases (ExAC no frequency). This sequence change falls in intron 3 of the TRAF3IP2 gene. It does not directly change the encoded amino acid sequence of the TRAF3IP2 protein, but it affects a nucleotide within the consensus splice site of the intron.

Literature cited by the submitters: PubMed 17576681; PubMed 9536098.

NM_147686.4(TRAF3IP2):c.1022+3A>G

Genes: TRAF3IP2 (TRAF3 interacting protein 2; minus strand), TRAF3IP2-AS1 (TRAF3IP2 antisense RNA 1; plus strand). Cytogenetic location: 6q21.
Variant type: single nucleotide variant.
Coding change: c.1022+3A>G on transcript NM_147686.4 (MANE Select); 3 bases into the intron after coding-DNA position 1022, A replaced by G.
Molecular consequence: intron variant.
Genome position (GRCh38, 1-based): chr6:111,580,194, T>C on the plus strand (A>G on the coding strand, the complement: TRAF3IP2 is on the minus strand). VCF-style: chr6-111580194-T-C. GRCh37 (hg19) VCF-style: chr6-111901397-T-C.
Other names: c.1022+3A>G (NM_001164281.3); c.1049+3A>G (NM_147200.3).
Identifiers: ClinVar variation 576636 (VCV000576636.6), dbSNP rs1562427078, ClinGen allele CA891843206.
Genomic context (GRCh38, chr6:111,580,194, plus strand): 5'-ATTGCATTGGCATAATTCCTTTCCATGTTAAAAATGCCTGAAGGTTGGGCCTGTCATACT[T>C]ACTGGTGCCTTGGAAGCCCCGGAAAGGAGCAGTCTCTCTGTGCGGGCCTCTCTTCGTGGT-3'